The following is an entry in ClinVar:

NM_001165963.4(SCN1A):c.4127G>C (p.Cys1376Ser)

Genes: SCN1A (sodium voltage-gated channel alpha subunit 1; minus strand), LOC102724058 (uncharacterized LOC102724058; plus strand). Cytogenetic location: 2q24.3.
Variant type: single nucleotide variant.
Coding change: c.4127G>C on transcript NM_001165963.4 (MANE Select); coding-DNA position 4127, G replaced by C.
Protein change: p.Cys1376Ser; replaces cysteine 1376 with serine.
Molecular consequence: missense variant. On other transcripts: non-coding transcript variant (1).
Genome position (GRCh38, 1-based): chr2:166,002,629, C>G on the plus strand (G>C on the coding strand, the complement: SCN1A is on the minus strand). VCF-style: chr2-166002629-C-G. GRCh37 (hg19) VCF-style: chr2-166859139-C-G.
Other names: c.4043G>C, p.Cys1348Ser (NM_001165964.3, NM_001353957.2, NM_001353958.2); c.4127G>C, p.Cys1376Ser (NM_001202435.3, NM_001353948.2); c.4094G>C, p.Cys1365Ser (NM_001353949.2, NM_001353950.2, NM_001353951.2 and 2 more transcripts); c.4091G>C, p.Cys1364Ser (NM_001353954.2, NM_001353955.2); c.4040G>C, p.Cys1347Ser (NM_001353960.2); c.1685G>C, p.Cys562Ser (NM_001353961.2); short protein forms C1364S, C562S, C1347S, C1348S, C1365S, C1376S.
Identifiers: ClinVar variation 3634019 (VCV003634019.2).

ClinVar aggregate classification (germline): Likely pathogenic (1 of 4 stars; one submission).

Conditions:
Early-infantile DEE. Also called: Early infantile epileptic encephalopathy; Ohtahara syndrome; Early infantile epileptic encephalopathy with suppression bursts. Identifiers: Orphanet 1934, MedGen C0393706, MONDO:0800491.

Submission:

Labcorp Genetics (formerly Invitae), Labcorp
Classification: Likely pathogenic for Early-infantile DEE. Last evaluated: 2024-09-27. Review status: criteria provided, single submitter. Criteria: Invitae Variant Classification Sherloc (09022015). Collection method: clinical testing. Allele origin: germline.
Comment: This sequence change replaces cysteine, which is neutral and slightly polar, with serine, which is neutral and polar, at codon 1376 of the SCN1A protein (p.Cys1376Ser). This variant is not present in population databases (gnomAD no frequency). This variant has not been reported in the literature in individuals affected with SCN1A-related conditions. Invitae Evidence Modeling of protein sequence and biophysical properties (such as structural, functional, and spatial information, amino acid conservation, physicochemical variation, residue mobility, and thermodynamic stability) indicates that this missense variant is expected to disrupt SCN1A protein function with a positive predictive value of 95%. This variant disrupts the p.Cys1376 amino acid residue in SCN1A. Other variant(s) that disrupt this residue have been determined to be pathogenic (internal data). This suggests that this residue is clinically significant, and that variants that disrupt this residue are likely to be disease-causing. In summary, the currently available evidence indicates that the variant is pathogenic, but additional data are needed to prove that conclusively. Therefore, this variant has been classified as Likely Pathogenic.